The following is an entry in ClinVar:

NM_000448.3(RAG1):c.1637C>T (p.Ser546Phe)

Gene: RAG1 (recombination activating 1; plus strand). Cytogenetic location: 11p12.
Variant type: single nucleotide variant.
Coding change: c.1637C>T on transcript NM_000448.3 (MANE Select); coding-DNA position 1637, C replaced by T.
Protein change: p.Ser546Phe; replaces serine 546 with phenylalanine.
Molecular consequence: missense variant.
Genome position (GRCh38, 1-based): chr11:36,574,941, C>T. VCF-style: chr11-36574941-C-T. GRCh37 (hg19) VCF-style: chr11-36596491-C-T.
Other names: c.1637C>T, p.Ser546Phe (NM_001377277.1, NM_001377278.1, NM_001377279.1 and 1 more transcripts); short protein forms S546F.
Identifiers: ClinVar variation 845961 (VCV000845961.7), dbSNP rs148235228, ClinGen allele CA5950164.

ClinVar aggregate classification (germline): Uncertain significance (1 of 4 stars; one submission).

Conditions:
Combined immunodeficiency with skin granulomas. Identifiers: Orphanet 157949, MedGen C2673536, MONDO:0009306, OMIM 233650.
Severe combined immunodeficiency, autosomal recessive, T cell-negative, B cell-negative, NK cell-positive. Also called: SCID, T CELL-NEGATIVE, B CELL-NEGATIVE, NK CELL-POSITIVE; Severe combined immunodeficiency due to complete RAG1/2 deficiency; SCID, AR, T-cell negative, B-cell negative, NK cell-positive. Identifiers: Orphanet 331206, MedGen C1832322, MONDO:0011086, OMIM 601457.

Allele frequency attached by ClinVar (database versions not stated): gnomAD exomes below 0.00001; TOPMed below 0.00001; ExAC 0.00001; gnomAD 0.00001; ESP Exome Variant Server 0.00008.
gnomAD v4.1: 3 of 1,614,082 alleles (0.00019%); highest among the groups gnomAD compares: African/African-American, 0.0027%; no homozygotes.

Submission:

Labcorp Genetics (formerly Invitae), Labcorp
Classification: Uncertain significance for Combined immunodeficiency with skin granulomas; Severe combined immunodeficiency, autosomal recessive, T cell-negative, B cell-negative, NK cell-positive. Last evaluated: 2021-09-01. Review status: criteria provided, single submitter. Criteria: Invitae Variant Classification Sherloc (09022015). Collection method: clinical testing. Allele origin: germline.
Comment: This sequence change replaces serine with phenylalanine at codon 546 of the RAG1 protein (p.Ser546Phe). The serine residue is moderately conserved and there is a large physicochemical difference between serine and phenylalanine. This variant is present in population databases (rs148235228, ExAC 0.01%). This variant has not been reported in the literature in individuals affected with RAG1-related conditions. Algorithms developed to predict the effect of missense changes on protein structure and function are either unavailable or do not agree on the potential impact of this missense change (SIFT: "Deleterious"; PolyPhen-2: "Possibly Damaging"; Align-GVGD: "Class C0"). In summary, the available evidence is currently insufficient to determine the role of this variant in disease. Therefore, it has been classified as a Variant of Uncertain Significance.